The following is an entry in ClinVar:

NM_000138.5(FBN1):c.5994C>G (p.Cys1998Trp)

Gene: FBN1 (fibrillin 1; minus strand). Cytogenetic location: 15q21.1.
Variant type: single nucleotide variant.
Coding change: c.5994C>G on transcript NM_000138.5 (MANE Select); coding-DNA position 5994, C replaced by G.
Protein change: p.Cys1998Trp; replaces cysteine 1998 with tryptophan.
Molecular consequence: missense variant.
Genome position (GRCh38, 1-based): chr15:48,444,584, G>C on the plus strand (C>G on the coding strand, the complement: FBN1 is on the minus strand). VCF-style: chr15-48444584-G-C. GRCh37 (hg19) VCF-style: chr15-48736781-G-C.
Other names: short protein forms C1998W.
Identifiers: ClinVar variation 549323 (VCV000549323.8), dbSNP rs1555395648, ClinGen allele CA392339697.
Genomic context (GRCh38, chr15:48,444,584, plus strand): 5'-ACTGATAGCTTTCCTACCTTCACACTTCTCATTTTGAAGACTGTATCCAGGTGGGCAAAT[G>C]CATCTGTAGGACCCATCCAAGTTTTGACAGGTACCTGGTGCACATTTTCTGGGTTCTAGA-3'
Protein context (NP_000129.3, residues 1988-2008): TCQNLDGSYR[Cys1998Trp]ICPPGYSLQN

ClinVar aggregate classification (germline): Pathogenic. Review status: criteria provided, single submitter (1 of 4 stars). 2 submissions from 2 submitters: Pathogenic (1). 1 of the submissions does not count toward it. Last evaluated 2024-01-20.

Conditions:
Marfan syndrome (MFS). Also called: Marfan syndrome type 1; Marfan syndrome, classic; Marfan's syndrome; FBN1-Related Marfan Syndrome; MARFAN SYNDROME, TYPE I. Identifiers: Orphanet 284963, Orphanet 558, MedGen C0024796, MONDO:0007947, OMIM 154700.
Familial thoracic aortic aneurysm and aortic dissection (TAAD). Also called: Thoracic aortic aneurysms and dissections. Identifiers: Orphanet 91387, MedGen C4707243, MONDO:0019625.

Submissions (2):

Labcorp Genetics (formerly Invitae), Labcorp
Classification: Pathogenic for Marfan syndrome; Familial thoracic aortic aneurysm and aortic dissection. Last evaluated: 2024-01-20. Review status: criteria provided, single submitter. Criteria: Invitae Variant Classification Sherloc (09022015). Collection method: clinical testing. Allele origin: germline.
Comment: This sequence change replaces cysteine, which is neutral and slightly polar, with tryptophan, which is neutral and slightly polar, at codon 1998 of the FBN1 protein (p.Cys1998Trp). This variant is not present in population databases (gnomAD no frequency). This variant has not been reported in the literature in individuals affected with FBN1-related conditions. ClinVar contains an entry for this variant (Variation ID: 549323). Advanced modeling of protein sequence and biophysical properties (such as structural, functional, and spatial information, amino acid conservation, physicochemical variation, residue mobility, and thermodynamic stability) performed at Invitae indicates that this missense variant is expected to disrupt FBN1 protein function with a positive predictive value of 95%. This variant affects a cysteine residue in the EGF-like, TGFBP or hybrid motif domains of FBN1. Cysteine residues are believed to be involved in intramolecular disulfide bridges and have been shown to be important for FBN1 protein structure (PMID: 16905551, 19349279). In addition, missense substitutions affecting cysteine residues within these domains are significantly overrepresented among patients with Marfan syndrome (PMID: 16571647, 17701892). This variant disrupts the p.Cys1998 amino acid residue in FBN1. Other variant(s) that disrupt this residue have been observed in individuals with FBN1-related conditions (PMID: 12203992, 25652356, 25907466), which suggests that this may be a clinically significant amino acid residue. For these reasons, this variant has been classified as Pathogenic.

Center for Medical Genetics Ghent, University of Ghent
Classification: Likely pathogenic for Marfan syndrome. Last evaluated: 2017-11-07. Review status: no assertion criteria provided. Collection method: clinical testing. Allele origin: germline. Affected: yes. Not counted in ClinVar's aggregate classification.

Literature cited by the submitters: PubMed 16905551 (cited by Labcorp Genetics (formerly Invitae), Labcorp); PubMed 19349279 (cited by Labcorp Genetics (formerly Invitae), Labcorp); PubMed 16571647 (cited by Labcorp Genetics (formerly Invitae), Labcorp); PubMed 17701892 (cited by Labcorp Genetics (formerly Invitae), Labcorp); PubMed 12203992 (cited by Labcorp Genetics (formerly Invitae), Labcorp); PubMed 25652356 (cited by Labcorp Genetics (formerly Invitae), Labcorp); PubMed 25907466 (cited by Labcorp Genetics (formerly Invitae), Labcorp).